The following is an entry in ClinVar:

ClinVar aggregate classification (germline): Likely pathogenic (0 of 4 stars; one submission).

Conditions:
F7-related disorder. Also called: F7-related condition.

Submission:

PreventionGenetics, part of Exact Sciences
Classification: Likely pathogenic for F7-related condition. Last evaluated: 2024-02-08. Review status: no assertion criteria provided. Collection method: clinical testing. Allele origin: germline.
Comment: The F7 c.646G>T variant is predicted to result in the amino acid substitution p.Gly216Cys. To our knowledge, this variant has not been reported in the literature; however, different missense substitutions at this same codon (p.Gly216Asp; p.Gly216Val) have been reported in individuals with factor VII deficiency (Wulff et al. 2000. PubMed ID: 10862079; Ma et al. 2021. PubMed ID: 33480651) suggesting that substitution of amino acid residue p.Gly216 is not tolerated. This variant is not reported in a large population database, indicating this variant is rare. This variant is interpreted as likely pathogenic.

NM_019616.4(F7):c.580G>T (p.Gly194Cys)

Gene: F7 (coagulation factor VII; plus strand). Cytogenetic location: 13q34.
Variant type: single nucleotide variant.
Coding change: c.580G>T on transcript NM_019616.4 (MANE Select); coding-DNA position 580, G replaced by T.
Protein change: p.Gly194Cys; replaces glycine 194 with cysteine.
Molecular consequence: missense variant. On other transcripts: non-coding transcript variant (1).
Genome position (GRCh38, 1-based): chr13:113,116,840, G>T. VCF-style: chr13-113116840-G-T. GRCh37 (hg19) VCF-style: chr13-113771154-G-T.
Other names: c.646G>T, p.Gly216Cys (NM_000131.5); c.394G>T, p.Gly132Cys (NM_001267554.2); short protein forms G132C, G194C, G216C.
Identifiers: ClinVar variation 3048959 (VCV003048959.2), dbSNP rs1186901138, ClinGen allele CA388784980.
Genomic context (GRCh38, chr13:113,116,840, plus strand): 5'-GGAAAAATACCTATTCTAGAAAAAAGAAATGCCAGCAAACCCCAAGGCCGAATTGTGGGG[G>T]GCAAGGTGTGCCCCAAAGGGGAGTGTCCATGGCAGGTAAGGCTTCCCCTGGCTTCAGGAT-3'
Protein context (NP_062562.1, residues 184-204): ASKPQGRIVG[Gly194Cys]KVCPKGECPW